The following is an entry in ClinVar:

ClinVar aggregate classification (germline): Uncertain significance. Review status: criteria provided, multiple submitters, no conflicts (2 of 4 stars). 2 submissions from 2 submitters: Uncertain significance (2). Last evaluated 2025-11-21.

gnomAD v4.1: 1 of 1,613,998 alleles (0.000062%); highest among the groups gnomAD compares: Non-Finnish European, 0.000085%; no homozygotes.

Submissions (2):

Labcorp Genetics (formerly Invitae), Labcorp
Classification: Uncertain significance. Last evaluated: 2025-11-21. Review status: criteria provided, single submitter. Criteria: Invitae Variant Classification Sherloc (09022015). Collection method: clinical testing. Allele origin: germline.
Comment: This sequence change replaces isoleucine, which is neutral and non-polar, with valine, which is neutral and non-polar, at codon 643 of the GEN1 protein (p.Ile643Val). This variant is not present in population databases (gnomAD no frequency). This variant has not been reported in the literature in individuals affected with GEN1-related conditions. ClinVar contains an entry for this variant (Variation ID: 3519708). An algorithm developed to predict the effect of missense changes on protein structure and function outputs the following: PolyPhen-2: "Benign". The valine amino acid residue is found in multiple mammalian species, which suggests that this missense change does not adversely affect protein function. In summary, the available evidence is currently insufficient to determine the role of this variant in disease. Therefore, it has been classified as a Variant of Uncertain Significance.

Ambry Genetics
Classification: Uncertain significance. Last evaluated: 2024-10-17. Review status: criteria provided, single submitter. Criteria: Ambry Variant Classification Scheme 2023. Collection method: clinical testing. Allele origin: germline.
Comment: The p.I643V variant (also known as c.1927A>G), located in coding exon 13 of the GEN1 gene, results from an A to G substitution at nucleotide position 1927. The isoleucine at codon 643 is replaced by valine, an amino acid with highly similar properties. This amino acid position is conserved. In addition, this alteration is predicted to be tolerated by in silico analysis. Based on the available evidence, the clinical significance of this variant remains unclear.

NM_001130009.3(GEN1):c.1927A>G (p.Ile643Val)

Gene: GEN1 (GEN1 structure-specific endonuclease; plus strand). Cytogenetic location: 2p24.2.
Variant type: single nucleotide variant.
Coding change: c.1927A>G on transcript NM_001130009.3 (MANE Select); coding-DNA position 1927, A replaced by G.
Protein change: p.Ile643Val; replaces isoleucine 643 with valine.
Molecular consequence: missense variant.
Genome position (GRCh38, 1-based): chr2:17,781,139, A>G. VCF-style: chr2-17781139-A-G. GRCh37 (hg19) VCF-style: chr2-17962406-A-G.
Other names: c.1927A>G, p.Ile643Val (NM_182625.5); short protein forms I643V.
Identifiers: ClinVar variation 3519708 (VCV003519708.2).
Genomic context (GRCh38, chr2:17,781,139, plus strand): 5'-GATGGCTTTGAAAATATCCCAGAACAACTGTCCTGTGAATCAGAAAGGTACACTGCAAAC[A>G]TAAAGAAAGTGTTGGATGAGGATTCTGATGGGATTAGTCCTGAAGAGCATCTACTTTCTG-3'
Protein context (NP_001123481.3, residues 633-653): SCESERYTAN[Ile643Val]KKVLDEDSDG